The following is an entry in ClinVar:

ClinVar aggregate classification (germline): Conflicting classifications of pathogenicity. Review status: criteria provided, conflicting classifications (1 of 4 stars). 4 submissions from 4 submitters: Pathogenic (1); Likely pathogenic (1); Uncertain significance (2). Last evaluated 2025-01-30.

Conditions:
Hypohidrotic X-linked ectodermal dysplasia (XHED). Also called: ECTODERMAL DYSPLASIA, HYPOHIDROTIC, 1; CST SYNDROME; ECTODERMAL DYSPLASIA 1; Ectodermal Dysplasia 1, Anhidrotic; Anhidrotic ectodermal dysplasia X-linked; Christ Siemens Touraine syndrome. Identifiers: Orphanet 181, Orphanet 238468, MedGen C0162359, MONDO:0010585, OMIM 305100.

Submissions (4):

Labcorp Genetics (formerly Invitae), Labcorp
Classification: Pathogenic for Hypohidrotic X-linked ectodermal dysplasia. Last evaluated: 2025-01-30. Review status: criteria provided, single submitter. Criteria: Invitae Variant Classification Sherloc (09022015). Collection method: clinical testing. Allele origin: germline.
Comment: This sequence change replaces aspartic acid, which is acidic and polar, with glycine, which is neutral and non-polar, at codon 265 of the EDA protein (p.Asp265Gly). This variant is not present in population databases (gnomAD no frequency). This missense change has been observed in individual(s) with hypohidrotic ectodermal dysplasia (PMID: 25333067; internal data). It has also been observed to segregate with disease in related individuals. ClinVar contains an entry for this variant (Variation ID: 179264). An algorithm developed to predict the effect of missense changes on protein structure and function (PolyPhen-2) suggests that this variant is likely to be disruptive. For these reasons, this variant has been classified as Pathogenic.

Institute of Human Genetics, University of Leipzig Medical Center
Classification: Uncertain significance for Hypohidrotic X-linked ectodermal dysplasia. Last evaluated: 2022-02-17. Review status: criteria provided, single submitter. Criteria: ACMG Guidelines, 2015. Collection method: clinical testing. Allele origin: maternal. Inheritance: Autosomal dominant inheritance. Affected: yes.
Comment: Criteria applied: PS4_MOD,PM2_SUP,PP1,PP3

ARUP Laboratories, Molecular Genetics and Genomics, ARUP Laboratories
Classification: Likely pathogenic. Last evaluated: 2016-09-07. Review status: criteria provided, single submitter. Criteria: ARUP Molecular Germline Variant Investigation Process. Collection method: clinical testing. Allele origin: germline.

Laboratory for Molecular Medicine, Mass General Brigham Personalized Medicine
Classification: Uncertain significance. Last evaluated: 2013-10-31. Review status: criteria provided, single submitter. Criteria: LMM Criteria. Collection method: clinical testing. Allele origin: germline. Observed: 1 variant allele.
Comment: The Asp265Gly variant in EDA has not been previously reported in individuals wit h ectodermal dysplasia or in large population studies. The aspartic acid (Asp) residue at position 265 is highly conserved across mammals and evolutionarily distant spec ies, suggesting that a change to the amino acid may not be tolerated. In additio n, computational analyses (biochemical amino acid properties, AlignGVGD, PolyPhe n2, and SIFT) suggest that the Asp265Gly variant may impact the protein. Alterna tively, although this variant is located in the first base of the exon, which is part of the 5? splice consensus region, computational tools do not predict alte red splicing. However, the accuracy of these predicative tools is unknown and th erefore, not predictive enough to assume or rule out pathogenicity. In summary, additional information is needed to fully assess the clinical significance of th e Asp265Gly variant.

Literature cited by the submitters: PubMed 25333067 (cited by Labcorp Genetics (formerly Invitae), Labcorp).

NM_001399.5(EDA):c.794A>G (p.Asp265Gly)

Gene: EDA (ectodysplasin A; plus strand). Cytogenetic location: Xq13.1.
Variant type: single nucleotide variant.
Coding change: c.794A>G on transcript NM_001399.5 (MANE Select); coding-DNA position 794, A replaced by G.
Protein change: p.Asp265Gly; replaces aspartic acid 265 with glycine.
Molecular consequence: missense variant. On other transcripts: intron variant (1).
Genome position (GRCh38, 1-based): chrX:70,033,398, A>G. VCF-style: chrX-70033398-A-G. GRCh37 (hg19) VCF-style: chrX-69253248-A-G.
Other names: c.794A>G, p.Asp265Gly (NM_001005609.2); c.794-9A>G (NM_001005612.3); short protein forms D265G.
Identifiers: ClinVar variation 179264 (VCV000179264.26), dbSNP rs727504750, ClinGen allele CA184075.